The following is an entry in ClinVar:

ClinVar aggregate classification (germline): Uncertain significance. Review status: criteria provided, multiple submitters, no conflicts (2 of 4 stars). 4 submissions from 3 submitters: Uncertain significance (4). Last evaluated 2025-01-22.

Conditions:
Autosomal recessive nonsyndromic hearing loss 2. Also called: NEUROSENSORY NONSYNDROMIC RECESSIVE DEAFNESS 2; DEAFNESS, AUTOSOMAL RECESSIVE 2. Identifiers: Orphanet 90636, MedGen C1838701, MONDO:0010807, OMIM 600060.
Usher syndrome type 1 (USH1). Also called: RETINITIS PIGMENTOSA AND CONGENITAL DEAFNESS. Identifiers: Orphanet 231169, Orphanet 886, MedGen C1568247, MONDO:0010168, OMIM 276900.

Allele frequency attached by ClinVar (database versions not stated): gnomAD exomes below 0.00001; ExAC 0.00003.
gnomAD v4.1: 2 of 1,578,690 alleles (0.00013%); highest among the groups gnomAD compares: Middle Eastern, 0.017%; no homozygotes.

Submissions (4):

Labcorp Genetics (formerly Invitae), Labcorp
Classification: Uncertain significance. Last evaluated: 2025-01-22. Review status: criteria provided, single submitter. Criteria: Invitae Variant Classification Sherloc (09022015). Collection method: clinical testing. Allele origin: germline.
Comment: This sequence change replaces glutamic acid, which is acidic and polar, with lysine, which is basic and polar, at codon 389 of the MYO7A protein (p.Glu389Lys). The frequency data for this variant in the population databases is considered unreliable, as metrics indicate poor data quality at this position in the gnomAD database. This variant has not been reported in the literature in individuals affected with MYO7A-related conditions. ClinVar contains an entry for this variant (Variation ID: 1016771). Invitae Evidence Modeling of protein sequence and biophysical properties (such as structural, functional, and spatial information, amino acid conservation, physicochemical variation, residue mobility, and thermodynamic stability) indicates that this missense variant is not expected to disrupt MYO7A protein function with a negative predictive value of 95%. In summary, the available evidence is currently insufficient to determine the role of this variant in disease. Therefore, it has been classified as a Variant of Uncertain Significance.

Blueprint Genetics
Classification: Uncertain significance. Last evaluated: 2022-12-09. Review status: criteria provided, single submitter. Criteria: ACMG Guidelines, 2015. Collection method: clinical testing. Allele origin: germline.

Genome-Nilou Lab
Classification: Uncertain significance for Autosomal recessive nonsyndromic hearing loss 2. Last evaluated: 2021-07-22. Review status: criteria provided, single submitter. Criteria: ACMG Guidelines, 2015. Collection method: clinical testing. Allele origin: germline. Affected: no.

Genome-Nilou Lab
Classification: Uncertain significance for Usher syndrome type 1. Last evaluated: 2021-07-22. Review status: criteria provided, single submitter. Criteria: ACMG Guidelines, 2015. Collection method: clinical testing. Allele origin: germline. Affected: no.

NM_000260.4(MYO7A):c.1165G>A (p.Glu389Lys)

Gene: MYO7A (myosin VIIA; plus strand). Cytogenetic location: 11q13.5.
Variant type: single nucleotide variant.
Coding change: c.1165G>A on transcript NM_000260.4 (MANE Select); coding-DNA position 1165, G replaced by A.
Protein change: p.Glu389Lys; replaces glutamic acid 389 with lysine.
Molecular consequence: missense variant.
Genome position (GRCh38, 1-based): chr11:77,160,247, G>A. VCF-style: chr11-77160247-G-A. GRCh37 (hg19) VCF-style: chr11-76871293-G-A.
Other names: c.1165G>A, p.Glu389Lys (NM_001127180.2); c.1132G>A, p.Glu378Lys (NM_001369365.1); short protein forms E378K, E389K.
Identifiers: ClinVar variation 1016771 (VCV001016771.8), dbSNP rs782227657, ClinGen allele CA6197399.